The following is an entry in ClinVar:

NM_000441.2(SLC26A4):c.1121A>G (p.Lys374Arg)

Gene: SLC26A4 (solute carrier family 26 member 4; plus strand). Cytogenetic location: 7q22.3.
Variant type: single nucleotide variant.
Coding change: c.1121A>G on transcript NM_000441.2 (MANE Select); coding-DNA position 1121, A replaced by G.
Protein change: p.Lys374Arg; replaces lysine 374 with arginine.
Molecular consequence: missense variant.
Genome position (GRCh38, 1-based): chr7:107,689,172, A>G. VCF-style: chr7-107689172-A-G. GRCh37 (hg19) VCF-style: chr7-107329617-A-G.
Other names: short protein forms K374R.
Identifiers: ClinVar variation 2136214 (VCV002136214.1), dbSNP rs375221085, ClinGen allele CA4432683.

ClinVar aggregate classification (germline): Uncertain significance (1 of 4 stars; one submission).

Allele frequency attached by ClinVar (database versions not stated): gnomAD exomes below 0.00001; ExAC 0.00001; gnomAD 0.00003; TOPMed 0.00005; ESP Exome Variant Server 0.00008.
gnomAD v4.1: 7 of 1,613,802 alleles (0.00043%); highest among the groups gnomAD compares: African/African-American, 0.0093%; no homozygotes.

Submission:

GeneDx
Classification: Uncertain significance. Last evaluated: 2022-07-19. Review status: criteria provided, single submitter. Criteria: GeneDx Variant Classification Process June 2021. Collection method: clinical testing. Allele origin: germline. Affected: yes.
Comment: In silico analysis supports a deleterious effect on splicing; In silico analysis supports that this missense variant has a deleterious effect on protein structure/function; Has not been previously published as pathogenic or benign to our knowledge